The following is an entry in ClinVar:

NM_014989.7(RIMS1):c.4112G>A (p.Arg1371His)

Gene: RIMS1 (regulating synaptic membrane exocytosis 1; plus strand). Cytogenetic location: 6q13.
Variant type: single nucleotide variant.
Coding change: c.4112G>A on transcript NM_014989.7 (MANE Select); coding-DNA position 4112, G replaced by A.
Protein change: p.Arg1371His; replaces arginine 1371 with histidine.
Molecular consequence: missense variant. On other transcripts: intron variant (24).
Genome position (GRCh38, 1-based): chr6:72,313,654, G>A. VCF-style: chr6-72313654-G-A. GRCh37 (hg19) VCF-style: chr6-73023357-G-A.
Other names: c.2072G>A, p.Arg691His (NM_001168407.2); c.2033G>A, p.Arg678His (NM_001350414.2); c.2156G>A, p.Arg719His (NM_001350415.2); c.2105G>A, p.Arg702His (NM_001350416.2); c.2078G>A, p.Arg693His (NM_001350418.2); c.2186G>A, p.Arg729His (NM_001350420.2); c.1931G>A, p.Arg644His (NM_001350421.2); c.1847G>A, p.Arg616His (NM_001350423.2, NM_001350444.2); and 52 more; short protein forms R535H, R597H, R602H, R640H, R645H, R671H, R723H, R752H.
Identifiers: ClinVar variation 1045498 (VCV001045498.10), dbSNP rs62407506, ClinGen allele CA3886439.

ClinVar aggregate classification (germline): Conflicting classifications of pathogenicity. Review status: criteria provided, conflicting classifications (1 of 4 stars). 3 submissions from 3 submitters: Uncertain significance (2); Likely benign (1). Last evaluated 2026-01-13.

Allele frequency attached by ClinVar (database versions not stated): gnomAD 0.00009 and 0.00011; TOPMed 0.00010; ExAC 0.00013; gnomAD exomes 0.00015; ESP Exome Variant Server 0.00025; 1000 Genomes Project 30x 0.00031; 1000 Genomes Project 0.00040.
gnomAD v4.1: 201 of 1,612,806 alleles (0.012%); highest among the groups gnomAD compares: South Asian, 0.05%; no homozygotes.

Submissions (3):

Labcorp Genetics (formerly Invitae), Labcorp
Classification: Uncertain significance. Last evaluated: 2026-01-13. Review status: criteria provided, single submitter. Criteria: Invitae Variant Classification Sherloc (09022015). Collection method: clinical testing. Allele origin: germline.
Comment: This sequence change replaces arginine, which is basic and polar, with histidine, which is basic and polar, at codon 1371 of the RIMS1 protein (p.Arg1371His). This variant is present in population databases (rs62407506, gnomAD 0.06%), and has an allele count higher than expected for a pathogenic variant. This variant has not been reported in the literature in individuals affected with RIMS1-related conditions. ClinVar contains an entry for this variant (Variation ID: 1045498). An algorithm developed to predict the effect of missense changes on protein structure and function outputs the following: PolyPhen-2: "Benign". The histidine amino acid residue is found in multiple mammalian species, which suggests that this missense change does not adversely affect protein function. In summary, the available evidence is currently insufficient to determine the role of this variant in disease. Therefore, it has been classified as a Variant of Uncertain Significance.

Ambry Genetics
Classification: Uncertain significance. Last evaluated: 2025-08-06. Review status: criteria provided, single submitter. Criteria: Ambry Variant Classification Scheme 2023. Collection method: clinical testing. Allele origin: germline.

Blueprint Genetics
Classification: Likely benign. Last evaluated: 2024-02-08. Review status: criteria provided, single submitter. Criteria: ACMG Guidelines, 2015. Collection method: clinical testing. Allele origin: germline.